The following is an entry in ClinVar:

ClinVar aggregate classification (germline): Uncertain significance (1 of 4 stars; one submission).

Conditions:
Hereditary cancer-predisposing syndrome. Also called: Neoplastic Syndromes, Hereditary; Tumor predisposition; Hereditary neoplastic syndrome; Hereditary Cancer Syndrome. Identifiers: Orphanet 140162, MedGen C0027672, MeSH D009386, MONDO:0015356.

Submission:

Ambry Genetics
Classification: Uncertain significance for Hereditary cancer-predisposing syndrome. Last evaluated: 2026-08-03. Review status: criteria provided, single submitter. Criteria: Ambry Variant Classification Scheme 2023. Collection method: clinical testing. Allele origin: germline.
Comment: The p.V816A variant (also known as c.2447T>C), located in coding exon 15 of the PMS2 gene, results from a T to C substitution at nucleotide position 2447. The valine at codon 816 is replaced by alanine, an amino acid with similar properties. This amino acid position is conserved. In addition, this alteration is predicted to be deleterious by in silico analysis. Based on the available evidence, the clinical significance of this variant remains unclear.

NM_000535.7(PMS2):c.2447T>C (p.Val816Ala)

Gene: PMS2 (PMS1 homolog 2, mismatch repair system component; minus strand). Cytogenetic location: 7p22.1.
Variant type: single nucleotide variant.
Coding change: c.2447T>C on transcript NM_000535.7 (MANE Select); coding-DNA position 2447, T replaced by C.
Protein change: p.Val816Ala; replaces valine 816 with alanine.
Molecular consequence: missense variant. On other transcripts: non-coding transcript variant (1).
Genome position (GRCh38, 1-based): chr7:5,973,541, A>G on the plus strand (T>C on the coding strand, the complement: PMS2 is on the minus strand). VCF-style: chr7-5973541-A-G. GRCh37 (hg19) VCF-style: chr7-6013172-A-G.
Other names: c.2042T>C, p.Val681Ala (NM_001322003.2, NM_001322004.2, NM_001322005.2 and 11 more transcripts); c.2291T>C, p.Val764Ala (NM_001322006.2); c.2129T>C, p.Val710Ala (NM_001322007.2, NM_001322008.2, NM_001406883.1); c.2075T>C, p.Val692Ala (NM_001322009.2, NM_001406887.1, NM_001406888.1); c.1886T>C, p.Val629Ala (NM_001322010.2, NM_001406906.1, NM_001406907.1); c.1514T>C, p.Val505Ala (NM_001322011.2, NM_001322012.2); c.1874T>C, p.Val625Ala (NM_001322013.2, NM_001406908.1, NM_001406909.1); c.2480T>C, p.Val827Ala (NM_001322014.2); and 20 more; short protein forms V415A, V629A, V654A, V694A, V710A, V768A, V824A, V505A.
Identifiers: ClinVar variation 5026932 (VCV005026932.1).